The following is an entry in ClinVar:

ClinVar aggregate classification (germline): Conflicting classifications of pathogenicity. Review status: criteria provided, conflicting classifications (1 of 4 stars). 7 submissions from 7 submitters: Uncertain significance (1); Likely benign (5). 1 of the submissions does not count toward it. Last evaluated 2026-06-01.

Conditions:
MYLK-related disorder. Also called: MYLK-related condition.
Familial thoracic aortic aneurysm and aortic dissection (TAAD). Also called: Thoracic aortic aneurysms and dissections. Identifiers: Orphanet 91387, MedGen C4707243, MONDO:0019625.
Aortic aneurysm, familial thoracic 7 (AAT7). Also called: AORTIC DISSECTION, FAMILIAL, WITH OR WITHOUT AORTIC ANEURYSM. Identifiers: MedGen C3151077, MONDO:0013418, OMIM 613780.

Allele frequency attached by ClinVar (database versions not stated): gnomAD 0.00008 and 0.00009; gnomAD exomes 0.00008 and 0.00012; TOPMed 0.00011; ExAC 0.00012.
gnomAD v4.1: 133 of 1,614,138 alleles (0.0082%); highest among the groups gnomAD compares: African/African-American, 0.032%; 1 homozygote.

Submissions (7):

CeGaT Center for Human Genetics Tuebingen
Classification: Likely benign. Last evaluated: 2026-06-01. Review status: criteria provided, single submitter. Criteria: CeGaT Center For Human Genetics Tuebingen Variant Classification Criteria Version 2. Collection method: clinical testing. Allele origin: germline. Affected: yes. Observed: 1 variant allele.
Comment: MYLK: BP4, BP7

Labcorp Genetics (formerly Invitae), Labcorp
Classification: Likely benign for Aortic aneurysm, familial thoracic 7. Last evaluated: 2026-01-12. Review status: criteria provided, single submitter. Criteria: Invitae Variant Classification Sherloc (09022015). Collection method: clinical testing. Allele origin: germline.

Ambry Genetics
Classification: Likely benign for Familial thoracic aortic aneurysm and aortic dissection. Last evaluated: 2023-01-13. Review status: criteria provided, single submitter. Criteria: Ambry Variant Classification Scheme 2023. Collection method: clinical testing. Allele origin: germline.

Blueprint Genetics
Classification: Likely benign. Last evaluated: 2022-09-09. Review status: criteria provided, single submitter. Criteria: ACMG Guidelines, 2015. Collection method: clinical testing. Allele origin: germline.

GeneDx
Classification: Likely benign. Last evaluated: 2019-03-20. Review status: criteria provided, single submitter. Criteria: GeneDx Variant Classification Process June 2021. Collection method: clinical testing. Allele origin: germline. Affected: yes.

Illumina Laboratory Services, Illumina
Classification: Uncertain significance for Aortic aneurysm, familial thoracic 7. Last evaluated: 2018-01-13. Review status: criteria provided, single submitter. Criteria: ICSL Variant Classification Criteria 13 December 2019. Collection method: clinical testing. Allele origin: germline.

PreventionGenetics, part of Exact Sciences
Classification: Likely benign for MYLK-related condition. Last evaluated: 2019-06-11. Review status: no assertion criteria provided. Collection method: clinical testing. Allele origin: germline. Not counted in ClinVar's aggregate classification.
Comment: This variant is classified as likely benign based on ACMG/AMP sequence variant interpretation guidelines (Richards et al. 2015 PMID: 25741868, with internal and published modifications).

NM_053025.4(MYLK):c.3897C>T (p.Ala1299=)

Gene: MYLK (myosin light chain kinase; minus strand). Cytogenetic location: 3q21.1.
Variant type: single nucleotide variant.
Coding change: c.3897C>T on transcript NM_053025.4 (MANE Select); coding-DNA position 3897, C replaced by T.
Protein change: p.Ala1299=; no amino-acid change (alanine 1299 retained).
Molecular consequence: synonymous variant.
Genome position (GRCh38, 1-based): chr3:123,664,193, G>A on the plus strand (C>T on the coding strand, the complement: MYLK is on the minus strand). VCF-style: chr3-123664193-G-A. GRCh37 (hg19) VCF-style: chr3-123383040-G-A.
Other names: c.3369C>T, p.Ala1123= (NM_001321309.2); c.3690C>T, p.Ala1230= (NM_053026.4, NM_053028.4); c.3897C>T, p.Ala1299= (NM_053027.4).
Identifiers: ClinVar variation 509538 (VCV000509538.26), dbSNP rs553472487, ClinGen allele CA070411.